The following is an entry in ClinVar:

ClinVar aggregate classification (germline): Uncertain significance (1 of 4 stars; one submission).

Submission:

GeneDx
Classification: Uncertain significance. Last evaluated: 2019-03-18. Review status: criteria provided, single submitter. Criteria: GeneDx Variant Classification (06012015). Collection method: clinical testing. Allele origin: germline. Affected: yes.
Comment: Not observed in large population cohorts (Lek et al., 2016). Has not been previously published as pathogenic or benign to our knowledge. In silico analysis, which includes splice predictors and evolutionary conservation, suggests this variant may impact gene splicing. In the absence of RNA/functional studies, the actual effect of this sequence change is unknown.

NM_007055.4(POLR3A):c.3593A>G (p.Lys1198Arg)

Gene: POLR3A (RNA polymerase III subunit A; minus strand). Cytogenetic location: 10q22.3.
Variant type: single nucleotide variant.
Coding change: c.3593A>G on transcript NM_007055.4 (MANE Select); coding-DNA position 3593, A replaced by G.
Protein change: p.Lys1198Arg; replaces lysine 1198 with arginine.
Molecular consequence: missense variant.
Genome position (GRCh38, 1-based): chr10:77,982,654, T>C on the plus strand (A>G on the coding strand, the complement: POLR3A is on the minus strand). VCF-style: chr10-77982654-T-C. GRCh37 (hg19) VCF-style: chr10-79742412-T-C.
Other names: short protein forms K1198R.
Identifiers: ClinVar variation 804229 (VCV000804229.1), dbSNP rs1589303073, ClinGen allele CA377327725.